The following is an entry in ClinVar:

NM_053025.4(MYLK):c.1790G>A (p.Trp597Ter)

Gene: MYLK (myosin light chain kinase; minus strand). Cytogenetic location: 3q21.1.
Variant type: single nucleotide variant.
Coding change: c.1790G>A on transcript NM_053025.4 (MANE Select); coding-DNA position 1790, G replaced by A.
Protein change: p.Trp597Ter; replaces tryptophan 597 with a stop codon.
Molecular consequence: nonsense.
Genome position (GRCh38, 1-based): chr3:123,722,142, C>T on the plus strand (G>A on the coding strand, the complement: MYLK is on the minus strand). VCF-style: chr3-123722142-C-T. GRCh37 (hg19) VCF-style: chr3-123440989-C-T.
Other names: c.1262G>A, p.Trp421Ter (NM_001321309.2); c.1583G>A, p.Trp528Ter (NM_053026.4, NM_053028.4); c.1790G>A, p.Trp597Ter (NM_053027.4); short protein forms W421*, W528*, W597*.
Identifiers: ClinVar variation 5040326 (VCV005040326.1).

ClinVar aggregate classification (germline): Pathogenic (1 of 4 stars; one submission).

Submission:

CeGaT Center for Human Genetics Tuebingen
Classification: Pathogenic. Last evaluated: 2026-07-01. Review status: criteria provided, single submitter. Criteria: CeGaT Center For Human Genetics Tuebingen Variant Classification Criteria Version 2. Collection method: clinical testing. Allele origin: germline. Affected: yes. Observed: 1 variant allele.
Comment: MYLK: PVS1, PM2